The following is an entry in ClinVar:

ClinVar aggregate classification (germline): Uncertain significance (1 of 4 stars; one submission).

Conditions:
Cardiovascular phenotype. Identifiers: MedGen CN230736.

Submission:

Ambry Genetics
Classification: Uncertain significance for Cardiovascular phenotype. Last evaluated: 2026-05-27. Review status: criteria provided, single submitter. Criteria: Ambry Variant Classification Scheme 2023. Collection method: clinical testing. Allele origin: germline.
Comment: The p.S462N variant (also known as c.1385G>A), located in coding exon 15 of the EYA4 gene, results from a G to A substitution at nucleotide position 1385. The serine at codon 462 is replaced by asparagine, an amino acid with highly similar properties. This variant was reported in individual(s) with features consistent with hearing loss (Ambry internal data). This amino acid position is highly conserved in available vertebrate species. As a missense substitution this is predicted to be inconclusive by in silico analysis. In silico splice site analysis predicts that this alteration will weaken the native splice acceptor site. Based on the available evidence, the clinical significance of this variant remains unclear.

NM_004100.5(EYA4):c.1385G>A (p.Ser462Asn)

Genes: EYA4 (EYA transcriptional coactivator and phosphatase 4; plus strand), TARID (TCF21 antisense RNA inducing promoter demethylation; minus strand). Cytogenetic location: 6q23.2.
Variant type: single nucleotide variant.
Coding change: c.1385G>A on transcript NM_004100.5 (MANE Select); coding-DNA position 1385, G replaced by A.
Protein change: p.Ser462Asn; replaces serine 462 with asparagine.
Molecular consequence: missense variant.
Genome position (GRCh38, 1-based): chr6:133,512,922, G>A. VCF-style: chr6-133512922-G-A. GRCh37 (hg19) VCF-style: chr6-133834060-G-A.
Other names: c.1223G>A, p.Ser408Asn (NM_001301012.2); c.1403G>A, p.Ser468Asn (NM_001301013.2); c.1316G>A, p.Ser439Asn (NM_001370458.1, NM_172103.4); c.1241G>A, p.Ser414Asn (NM_001370459.1); c.1385G>A, p.Ser462Asn (NM_172105.4); short protein forms S408N, S414N, S439N, S462N, S468N.
Identifiers: ClinVar variation 4870725 (VCV004870725.1).
Genomic context (GRCh38, chr6:133,512,922, plus strand): 5'-ATTTTGGGTGTTACAGTACCTACAGTTTTGCAACTGATGGCTTCCATGCAGCTGCAAGTA[G>A]TGCAAACCTTTGTTTGCCAACAGGTGTAAGAGGAGGGGTTGACTGGATGAGGAAGTTGGC-3'
Protein context (NP_004091.3, residues 452-472): ATDGFHAAAS[Ser462Asn]ANLCLPTGVR